The following is an entry in ClinVar:

ClinVar aggregate classification (germline): Uncertain significance. Review status: criteria provided, multiple submitters, no conflicts (2 of 4 stars). 3 submissions from 3 submitters: Uncertain significance (3). Last evaluated 2026-01-13.

Conditions:
Hereditary cancer-predisposing syndrome. Also called: Hereditary neoplastic syndrome; Neoplastic Syndromes, Hereditary; Tumor predisposition; Hereditary Cancer Syndrome. Identifiers: Orphanet 140162, MedGen C0027672, MeSH D009386, MONDO:0015356.

Allele frequency attached by ClinVar (database versions not stated): gnomAD exomes below 0.00001; TOPMed 0.00001.
gnomAD v4.1: 2 of 1,611,286 alleles (0.00012%); highest among the groups gnomAD compares: Non-Finnish European, 0.00017%; no homozygotes.

Submissions (3):

Labcorp Genetics (formerly Invitae), Labcorp
Classification: Uncertain significance. Last evaluated: 2026-01-13. Review status: criteria provided, single submitter. Criteria: Invitae Variant Classification Sherloc (09022015). Collection method: clinical testing. Allele origin: germline.
Comment: This sequence change replaces glutamic acid, which is acidic and polar, with valine, which is neutral and non-polar, at codon 674 of the POLE protein (p.Glu674Val). This variant is not present in population databases (gnomAD no frequency). This variant has not been reported in the literature in individuals affected with POLE-related conditions. ClinVar contains an entry for this variant (Variation ID: 949677). Invitae Evidence Modeling of protein sequence and biophysical properties (such as structural, functional, and spatial information, amino acid conservation, physicochemical variation, residue mobility, and thermodynamic stability) indicates that this missense variant is not expected to disrupt POLE protein function with a negative predictive value of 80%. In summary, the available evidence is currently insufficient to determine the role of this variant in disease. Therefore, it has been classified as a Variant of Uncertain Significance.

Ambry Genetics
Classification: Uncertain significance for Hereditary cancer-predisposing syndrome. Last evaluated: 2024-02-26. Review status: criteria provided, single submitter. Criteria: Ambry Variant Classification Scheme 2023. Collection method: clinical testing. Allele origin: germline.
Comment: The p.E674V variant (also known as c.2021A>T), located in coding exon 18 of the POLE gene, results from an A to T substitution at nucleotide position 2021. The glutamic acid at codon 674 is replaced by valine, an amino acid with dissimilar properties. This amino acid position is conserved. In addition, the in silico prediction for this alteration is inconclusive. Since supporting evidence is limited at this time, the clinical significance of this alteration remains unclear.

GeneDx
Classification: Uncertain significance. Last evaluated: 2020-04-08. Review status: criteria provided, single submitter. Criteria: GeneDx Variant Classification Process June 2021. Collection method: clinical testing. Allele origin: germline. Affected: yes.
Comment: Not observed in large population cohorts (Lek et al., 2016); In silico analysis supports that this missense variant has a deleterious effect on protein structure/function; Has not been previously published as pathogenic or benign to our knowledge

NM_006231.4(POLE):c.2021A>T (p.Glu674Val)

Gene: POLE (DNA polymerase epsilon, catalytic subunit; minus strand). Cytogenetic location: 12q24.33.
Variant type: single nucleotide variant.
Coding change: c.2021A>T on transcript NM_006231.4 (MANE Select); coding-DNA position 2021, A replaced by T.
Protein change: p.Glu674Val; replaces glutamic acid 674 with valine.
Molecular consequence: missense variant.
Genome position (GRCh38, 1-based): chr12:132,668,640, T>A on the plus strand (A>T on the coding strand, the complement: POLE is on the minus strand). VCF-style: chr12-132668640-T-A. GRCh37 (hg19) VCF-style: chr12-133245226-T-A.
Other names: short protein forms E674V.
Identifiers: ClinVar variation 949677 (VCV000949677.13), dbSNP rs1270807618, ClinGen allele CA387354651.